The following is an entry in ClinVar:

ClinVar aggregate classification (germline): Pathogenic (1 of 4 stars; one submission).

Conditions:
Familial thoracic aortic aneurysm and aortic dissection (TAAD). Also called: Thoracic aortic aneurysms and dissections. Identifiers: Orphanet 91387, MedGen C4707243, MONDO:0019625.
Hereditary cancer-predisposing syndrome. Also called: Neoplastic Syndromes, Hereditary; Tumor predisposition; Hereditary Cancer Syndrome; Hereditary neoplastic syndrome. Identifiers: Orphanet 140162, MedGen C0027672, MeSH D009386, MONDO:0015356.

Submission:

Ambry Genetics
Classification: Pathogenic for Hereditary cancer-predisposing syndrome; Familial thoracic aortic aneurysm and aortic dissection. Last evaluated: 2026-05-19. Review status: criteria provided, single submitter. Criteria: Ambry Variant Classification Scheme 2023. Collection method: clinical testing. Allele origin: germline.
Comment: The c.280_287dupATCTATGC pathogenic mutation, located in coding exon 2 of the SMAD4 gene, results from a duplication of ATCTATGC at nucleotide position 280, causing a translational frameshift with a predicted alternate stop codon (p.R97Sfs*16). This variant is considered to be rare based on population cohorts in the Genome Aggregation Database (gnomAD). This alteration is expected to result in loss of function by premature protein truncation or nonsense-mediated mRNA decay. As such, this alteration is interpreted as a disease-causing mutation.

NM_005359.6(SMAD4):c.280_287dup (p.Arg97fs)

Gene: SMAD4 (SMAD family member 4; plus strand). Cytogenetic location: 18q21.2.
Variant type: Duplication.
Coding change: c.280_287dup on transcript NM_005359.6 (MANE Select); coding-DNA positions 280 to 287, 8 bases duplicated (ATCTATGC; older notation c.280_287dupATCTATGC).
Protein change: p.Arg97fs; shifts the reading frame from arginine 97.
Molecular consequence: frameshift variant. On other transcripts: non-coding transcript variant (2).
Genome position (GRCh38, 1-based): chr18:51,048,716-51,048,723, ATCTATGC duplicated. VCF-style (leftmost placement, unchanged base first): chr18-51048715-G-GATCTATGC. GRCh37 (hg19) VCF-style: chr18-48575085-G-GATCTATGC.
Other names: c.280_287dupATCTATGC (NM_005359.5); c.280_287dup, p.Arg97fs (NM_001407041.1, NM_001407042.1, NM_001407043.1); short protein forms R97fs.
Identifiers: ClinVar variation 4864707 (VCV004864707.1).